The following is an entry in ClinVar:

ClinVar aggregate classification (germline): Conflicting classifications of pathogenicity. Review status: criteria provided, conflicting classifications (1 of 4 stars). 2 submissions from 2 submitters: Pathogenic (1); Uncertain significance (1). Last evaluated 2024-10-29.

Conditions:
Mucopolysaccharidosis, MPS-IV-A (MPS4A). Also called: Mucopolysaccharidosis type IV A; Mucopolysaccharidosis Type IVA; Morquio syndrome A, mild; MORQUIO SYNDROME A; MPS IVA; mucopolysaccharidosis type 4A. Identifiers: Orphanet 309297, Orphanet 582, MedGen C0086651, MONDO:0009659, OMIM 253000.

Submissions (2):

Labcorp Genetics (formerly Invitae), Labcorp
Classification: Pathogenic for Mucopolysaccharidosis, MPS-IV-A. Last evaluated: 2024-10-29. Review status: criteria provided, single submitter. Criteria: Invitae Variant Classification Sherloc (09022015). Collection method: clinical testing. Allele origin: germline.
Comment: This sequence change replaces arginine, which is basic and polar, with glycine, which is neutral and non-polar, at codon 380 of the GALNS protein (p.Arg380Gly). This variant is present in population databases (rs770908172, gnomAD 0.01%). This missense change has been observed in individual(s) with mucopolysaccharidosis type IVA (PMID: 24726177). ClinVar contains an entry for this variant (Variation ID: 1048225). An algorithm developed to predict the effect of missense changes on protein structure and function (PolyPhen-2) suggests that this variant is likely to be disruptive. Algorithms developed to predict the effect of sequence changes on RNA splicing suggest that this variant may disrupt the consensus splice site. This variant disrupts the p.Arg380 amino acid residue in GALNS. Other variant(s) that disrupt this residue have been determined to be pathogenic (PMID: 15309681, 17876718). This suggests that this residue is clinically significant, and that variants that disrupt this residue are likely to be disease-causing. For these reasons, this variant has been classified as Pathogenic.

Laboratory of Diagnosis and Therapy of Lysosomal Disorders, University of Padova
Classification: Uncertain significance for Mucopolysaccharidosis, MPS-IV-A. Last evaluated: 2021-02-01. Review status: criteria provided, single submitter. Criteria: ACMG Guidelines, 2015. Collection method: curation. Allele origin: germline. Affected: yes.
Comment: In vivo functional studies supportive of a damaging effect on the gene product (low to null enzymatic activity in homozygotes; PS3_supporting); the prevalence of the variant in affected individuals is significantly increased compared with the prevalence in controls (PS4_supporting); very low frequency in gnomAD v2.1.1 (PM2_moderate); multiple lines of computational evidence support a deleterious effect on the gene (PP3_supporting)

Literature cited by the submitters: PubMed 24726177 (cited by Labcorp Genetics (formerly Invitae), Labcorp and Laboratory of Diagnosis and Therapy of Lysosomal Disorders, University of Padova); PubMed 15309681 (cited by Labcorp Genetics (formerly Invitae), Labcorp); PubMed 17876718 (cited by Labcorp Genetics (formerly Invitae), Labcorp); PubMed 34387910 (cited by Laboratory of Diagnosis and Therapy of Lysosomal Disorders, University of Padova).

NM_000512.5(GALNS):c.1138A>G (p.Arg380Gly)

Gene: GALNS (galactosamine (N-acetyl)-6-sulfatase; minus strand). Cytogenetic location: 16q24.3.
Variant type: single nucleotide variant.
Coding change: c.1138A>G on transcript NM_000512.5 (MANE Select); coding-DNA position 1138, A replaced by G.
Protein change: p.Arg380Gly; replaces arginine 380 with glycine.
Molecular consequence: missense variant.
Genome position (GRCh38, 1-based): chr16:88,826,703, T>C on the plus strand (A>G on the coding strand, the complement: GALNS is on the minus strand). VCF-style: chr16-88826703-T-C. GRCh37 (hg19) VCF-style: chr16-88893111-T-C.
Other names: c.583A>G, p.Arg195Gly (NM_001323543.2); c.1156A>G, p.Arg386Gly (NM_001323544.2); short protein forms R195G, R380G, R386G.
Identifiers: ClinVar variation 1048225 (VCV001048225.11), dbSNP rs770908172, ClinGen allele CA8234816.